The following is an entry in ClinVar:

ClinVar aggregate classification (germline): Uncertain significance (1 of 4 stars; one submission).

gnomAD v4.1: 22 of 1,613,482 alleles (0.0014%); highest among the groups gnomAD compares: Non-Finnish European, 0.0018%; no homozygotes.

Submission:

Labcorp Genetics (formerly Invitae), Labcorp
Classification: Uncertain significance. Last evaluated: 2024-05-02. Review status: criteria provided, single submitter. Criteria: Invitae Variant Classification Sherloc (09022015). Collection method: clinical testing. Allele origin: germline.
Comment: This sequence change replaces proline, which is neutral and non-polar, with leucine, which is neutral and non-polar, at codon 292 of the MKL1 protein (p.Pro292Leu). This variant is not present in population databases (gnomAD no frequency). This variant has not been reported in the literature in individuals affected with MKL1-related conditions. An algorithm developed to predict the effect of missense changes on protein structure and function (PolyPhen-2) suggests that this variant is likely to be disruptive. In summary, the available evidence is currently insufficient to determine the role of this variant in disease. Therefore, it has been classified as a Variant of Uncertain Significance.

NM_020831.6(MRTFA):c.1175C>T (p.Pro392Leu)

Gene: MRTFA (myocardin related transcription factor A; minus strand). Cytogenetic location: 22q13.1.
Variant type: single nucleotide variant.
Coding change: c.1175C>T on transcript NM_020831.6 (MANE Select); coding-DNA position 1175, C replaced by T.
Protein change: p.Pro392Leu; replaces proline 392 with leucine.
Molecular consequence: missense variant.
Genome position (GRCh38, 1-based): chr22:40,420,853, G>A on the plus strand (C>T on the coding strand, the complement: MRTFA is on the minus strand). VCF-style: chr22-40420853-G-A. GRCh37 (hg19) VCF-style: chr22-40816857-G-A.
Other names: c.875C>T, p.Pro292Leu (NM_001282660.2); c.1025C>T, p.Pro342Leu (NM_001282661.3); c.1175C>T, p.Pro392Leu (NM_001282662.3); c.980C>T, p.Pro327Leu (NM_001318139.2); short protein forms P292L, P327L, P342L, P392L.
Identifiers: ClinVar variation 3620426 (VCV003620426.2).